The following is an entry in ClinVar:

NM_014241.4(HACD1):c.785-6A>G

Gene: HACD1 (3-hydroxyacyl-CoA dehydratase 1; minus strand). Cytogenetic location: 10p12.33.
Variant type: single nucleotide variant.
Coding change: c.785-6A>G on transcript NM_014241.4 (MANE Select); 6 bases into the intron before coding-DNA position 785, A replaced by G.
Molecular consequence: intron variant.
Genome position (GRCh38, 1-based): chr10:17,590,452, T>C on the plus strand (A>G on the coding strand, the complement: HACD1 is on the minus strand). VCF-style: chr10-17590452-T-C. GRCh37 (hg19) VCF-style: chr10-17632451-T-C.
Identifiers: ClinVar variation 2020597 (VCV002020597.4), dbSNP rs1554815481, ClinGen allele CA592179847.
Genomic context (GRCh38, chr10:17,590,452, plus strand): 5'-CCATGAAGCACCTTTCTTCTTTGACGTAACATATGAAAATAGAGTTGTGGAAACACTTCA[T>C]TGAAAAAGAAAACAAAGAAAAACAAGCTATTGCTTTAAAATTATTTATACTTGAAACCTG-3'

ClinVar aggregate classification (germline): Uncertain significance (1 of 4 stars; one submission).

gnomAD v4.1: 3 of 1,568,724 alleles (0.00019%); highest among the groups gnomAD compares: East Asian, 0.0023%; no homozygotes.

Submission:

Labcorp Genetics (formerly Invitae), Labcorp
Classification: Uncertain significance. Last evaluated: 2022-07-30. Review status: criteria provided, single submitter. Criteria: Invitae Variant Classification Sherloc (09022015). Collection method: clinical testing. Allele origin: germline.
Comment: In summary, the available evidence is currently insufficient to determine the role of this variant in disease. Therefore, it has been classified as a Variant of Uncertain Significance. This sequence change falls in intron 6 of the HACD1 gene. It does not directly change the encoded amino acid sequence of the HACD1 protein. This variant is not present in population databases (gnomAD no frequency). This variant has not been reported in the literature in individuals affected with HACD1-related conditions. Algorithms developed to predict the effect of sequence changes on RNA splicing suggest that this variant may create or strengthen a splice site.